The following is an entry in ClinVar:

ClinVar aggregate classification (germline): Benign/Likely benign. Review status: criteria provided, multiple submitters, no conflicts (2 of 4 stars). 4 submissions from 4 submitters: Benign (1); Likely benign (3). Last evaluated 2024-12-16.

Conditions:
Brugada syndrome. Also called: Sudden unexplained nocturnal death syndrome; Sudden unexpected nocturnal death syndrome; Sudden Unexplained Death Syndrome; Sudden Unexplained Nocturnal Death Syndrome (SUNDS). Identifiers: Orphanet 130, MedGen C1142166, MONDO:0015263.

Allele frequency attached by ClinVar (database versions not stated): TOPMed 0.00001; gnomAD exomes 0.00002 and 0.00006; ExAC 0.00007.
gnomAD v4.1: 18 of 1,208,450 alleles (0.0015%); highest among the groups gnomAD compares: Middle Eastern, 0.37%; no homozygotes.

Submissions (4):

Labcorp Genetics (formerly Invitae), Labcorp
Classification: Likely benign for Brugada syndrome. Last evaluated: 2024-12-16. Review status: criteria provided, single submitter. Criteria: Invitae Variant Classification Sherloc (09022015). Collection method: clinical testing. Allele origin: germline.

Ambry Genetics
Classification: Likely benign. Last evaluated: 2023-11-23. Review status: criteria provided, single submitter. Criteria: Ambry Variant Classification Scheme 2023. Collection method: clinical testing. Allele origin: germline.

CeGaT Center for Human Genetics Tuebingen
Classification: Likely benign. Last evaluated: 2022-03-01. Review status: criteria provided, single submitter. Criteria: CeGaT Center For Human Genetics Tuebingen Variant Classification Criteria Version 2. Collection method: clinical testing. Allele origin: germline. Affected: yes. Observed: 1 variant allele.
Comment: KCNE5: BP4, BP7

GeneDx
Classification: Benign. Last evaluated: 2020-10-07. Review status: criteria provided, single submitter. Criteria: GeneDx Variant Classification Process June 2021. Collection method: clinical testing. Allele origin: germline. Affected: yes.

NM_012282.4(KCNE5):c.42C>T (p.Ser14=)

Gene: KCNE5 (potassium voltage-gated channel subfamily E regulatory subunit 5; minus strand). Cytogenetic location: Xq23.
Variant type: single nucleotide variant.
Coding change: c.42C>T on transcript NM_012282.4 (MANE Select); coding-DNA position 42, C replaced by T.
Protein change: p.Ser14=; no amino-acid change (serine 14 retained).
Molecular consequence: synonymous variant.
Genome position (GRCh38, 1-based): chrX:109,624,979, G>A on the plus strand (C>T on the coding strand, the complement: KCNE5 is on the minus strand). VCF-style: chrX-109624979-G-A. GRCh37 (hg19) VCF-style: chrX-108868208-G-A.
Identifiers: ClinVar variation 764412 (VCV000764412.33), dbSNP rs763118222, ClinGen allele CA10490911.